The following is an entry in ClinVar:

ClinVar aggregate classification (germline): Uncertain significance. Review status: criteria provided, multiple submitters, no conflicts (2 of 4 stars). 2 submissions from 2 submitters: Uncertain significance (2). Last evaluated 2025-03-29.

Conditions:
Hereditary cancer-predisposing syndrome. Also called: Tumor predisposition; Hereditary neoplastic syndrome; Hereditary Cancer Syndrome; Neoplastic Syndromes, Hereditary. Identifiers: Orphanet 140162, MedGen C0027672, MeSH D009386, MONDO:0015356.
Haddad syndrome (OHD). Also called: Ondine-Hirschsprung disease. Identifiers: Orphanet 99803, MedGen C1859049, MONDO:0020493.

Submissions (2):

Ambry Genetics
Classification: Uncertain significance for Hereditary cancer-predisposing syndrome. Last evaluated: 2025-03-29. Review status: criteria provided, single submitter. Criteria: Ambry Variant Classification Scheme 2023. Collection method: clinical testing. Allele origin: germline.
Comment: The p.A31T variant (also known as c.91G>A), located in coding exon 1 of the PHOX2B gene, results from a G to A substitution at nucleotide position 91. The alanine at codon 31 is replaced by threonine, an amino acid with similar properties. This amino acid position is conserved. In addition, the in silico prediction for this alteration is inconclusive. Based on the available evidence, the clinical significance of this variant remains unclear.

Labcorp Genetics (formerly Invitae), Labcorp
Classification: Uncertain significance for Haddad syndrome. Last evaluated: 2023-05-18. Review status: criteria provided, single submitter. Criteria: Invitae Variant Classification Sherloc (09022015). Collection method: clinical testing. Allele origin: germline.
Comment: ClinVar contains an entry for this variant (Variation ID: 1462686). In summary, the available evidence is currently insufficient to determine the role of this variant in disease. Therefore, it has been classified as a Variant of Uncertain Significance. An algorithm developed to predict the effect of missense changes on protein structure and function (PolyPhen-2) suggests that this variant is likely to be disruptive. This variant has not been reported in the literature in individuals affected with PHOX2B-related conditions. This variant is not present in population databases (gnomAD no frequency). This sequence change replaces alanine, which is neutral and non-polar, with threonine, which is neutral and polar, at codon 31 of the PHOX2B protein (p.Ala31Thr).

NM_003924.4(PHOX2B):c.91G>A (p.Ala31Thr)

Genes: PHOX2B-AS1 (PHOX2B antisense RNA 1; plus strand), PHOX2B (paired like homeobox 2B; minus strand). Cytogenetic location: 4p13.
Variant type: single nucleotide variant.
Coding change: c.91G>A on transcript NM_003924.4 (MANE Select); coding-DNA position 91, G replaced by A.
Protein change: p.Ala31Thr; replaces alanine 31 with threonine.
Molecular consequence: missense variant.
Genome position (GRCh38, 1-based): chr4:41,748,520, C>T on the plus strand (G>A on the coding strand, the complement: PHOX2B is on the minus strand). VCF-style: chr4-41748520-C-T. GRCh37 (hg19) VCF-style: chr4-41750537-C-T.
Other names: c.91G>A (NM_003924.3); short protein forms A31T.
Identifiers: ClinVar variation 1462686 (VCV001462686.9), dbSNP rs2153113064, ClinGen allele CA356741112.